The following is an entry in ClinVar:

NM_032380.5(GFM2):c.1040T>C (p.Met347Thr)

Gene: GFM2 (GTP dependent ribosome recycling factor mitochondrial 2; minus strand). Cytogenetic location: 5q13.3.
Variant type: single nucleotide variant.
Coding change: c.1040T>C on transcript NM_032380.5 (MANE Select); coding-DNA position 1040, T replaced by C.
Protein change: p.Met347Thr; replaces methionine 347 with threonine.
Molecular consequence: missense variant. On other transcripts: non-coding transcript variant (1).
Genome position (GRCh38, 1-based): chr5:74,740,028, A>G on the plus strand (T>C on the coding strand, the complement: GFM2 is on the minus strand). VCF-style: chr5-74740028-A-G. GRCh37 (hg19) VCF-style: chr5-74035853-A-G.
Other names: p.M347T:ATG>ACG; c.1136T>C, p.Met379Thr (NM_001281302.2); c.1040T>C, p.Met347Thr (NM_170681.3, NM_170691.3); short protein forms M347T, M379T.
Identifiers: ClinVar variation 214510 (VCV000214510.11), dbSNP rs774464063, ClinGen allele CA324479.

ClinVar aggregate classification (germline): Conflicting classifications of pathogenicity. Review status: criteria provided, conflicting classifications (1 of 4 stars). 4 submissions from 4 submitters: Uncertain significance (3); Likely benign (1). Last evaluated 2025-12-03.

Conditions:
Combined oxidative phosphorylation deficiency 39. Identifiers: Orphanet 565624, MedGen C5193075, MONDO:0032726, OMIM 618397.

Allele frequency attached by ClinVar (database versions not stated): gnomAD exomes 0.00003; ExAC 0.00005; TOPMed 0.00008; gnomAD 0.00016 and 0.00017.
gnomAD v4.1: 88 of 1,597,768 alleles (0.0055%); highest among the groups gnomAD compares: Admixed American, 0.035%; 1 homozygote.

Submissions (4):

Labcorp Genetics (formerly Invitae), Labcorp
Classification: Uncertain significance. Last evaluated: 2025-12-03. Review status: criteria provided, single submitter. Criteria: Invitae Variant Classification Sherloc (09022015). Collection method: clinical testing. Allele origin: germline.
Comment: This sequence change replaces methionine, which is neutral and non-polar, with threonine, which is neutral and polar, at codon 347 of the GFM2 protein (p.Met347Thr). This variant is present in population databases (rs774464063, gnomAD 0.02%). This variant has not been reported in the literature in individuals affected with GFM2-related conditions. ClinVar contains an entry for this variant (Variation ID: 214510). Invitae Evidence Modeling of protein sequence and biophysical properties (such as structural, functional, and spatial information, amino acid conservation, physicochemical variation, residue mobility, and thermodynamic stability) indicates that this missense variant is not expected to disrupt GFM2 protein function with a negative predictive value of 80%. In summary, the available evidence is currently insufficient to determine the role of this variant in disease. Therefore, it has been classified as a Variant of Uncertain Significance.

Blueprint Genetics
Classification: Likely benign. Last evaluated: 2024-11-04. Review status: criteria provided, single submitter. Criteria: ACMG Guidelines, 2015. Collection method: clinical testing. Allele origin: germline.

Baylor Genetics
Classification: Uncertain significance for Combined oxidative phosphorylation deficiency 39. Last evaluated: 2022-06-30. Review status: criteria provided, single submitter. Criteria: ACMG Guidelines, 2015. Collection method: clinical testing. Allele origin: unknown.

GeneDx
Classification: Uncertain significance. Last evaluated: 2020-06-25. Review status: criteria provided, single submitter. Criteria: GeneDx Variant Classification Process June 2021. Collection method: clinical testing. Allele origin: germline. Affected: yes.
Comment: In silico analysis supports that this missense variant does not alter protein structure/function; Has not been previously published as pathogenic or benign to our knowledge